The following is an entry in ClinVar:

NM_182972.3(IRF2BP2):c.1341_1342delinsGT (p.His448Tyr)

Gene: IRF2BP2 (interferon regulatory factor 2 binding protein 2; minus strand). Cytogenetic location: 1q42.3.
Variant type: Indel.
Coding change: c.1341_1342delinsGT on transcript NM_182972.3 (MANE Select); coding-DNA positions 1341 to 1342, TC replaced by GT.
Protein change: p.His448Tyr; replaces histidine 448 with tyrosine.
Molecular consequence: missense variant.
Genome position (GRCh38, 1-based): chr1:234,607,559-234,607,560, GA replaced by AC on the plus strand (TC replaced by GT on the coding strand, the reverse complement: IRF2BP2 is on the minus strand). VCF-style: chr1-234607559-GA-AC. GRCh37 (hg19) VCF-style: chr1-234743305-GA-AC.
Other names: c.1293_1294delinsGT, p.His432Tyr (NM_001077397.1); short protein forms H432Y, H448Y.
Identifiers: ClinVar variation 2793483 (VCV002793483.3), dbSNP rs2528514446, ClinGen allele CA2739274086.

ClinVar aggregate classification (germline): Uncertain significance (1 of 4 stars; one submission).

Submission:

Labcorp Genetics (formerly Invitae), Labcorp
Classification: Uncertain significance. Last evaluated: 2023-01-05. Review status: criteria provided, single submitter. Criteria: Invitae Variant Classification Sherloc (09022015). Collection method: clinical testing. Allele origin: germline.
Comment: In summary, the available evidence is currently insufficient to determine the role of this variant in disease. Therefore, it has been classified as a Variant of Uncertain Significance. Experimental studies and prediction algorithms are not available or were not evaluated, and the functional significance of this variant is currently unknown. This variant has not been reported in the literature in individuals affected with IRF2BP2-related conditions. Information on the frequency of this variant in the gnomAD database is not available, as this variant may be reported differently in the database. This sequence change replaces histidine, which is basic and polar, with tyrosine, which is neutral and polar, at codon 448 of the IRF2BP2 protein (p.His448Tyr).